The following is an entry in ClinVar:

ClinVar aggregate classification (germline): Pathogenic (1 of 4 stars; one submission).

Conditions:
Maple syrup urine disease (MSUD). Identifiers: Orphanet 511, MedGen C0024776, MeSH D008375, MONDO:0009563. Disease mechanism: loss of function.

Submission:

Labcorp Genetics (formerly Invitae), Labcorp
Classification: Pathogenic for Maple syrup urine disease. Last evaluated: 2022-09-08. Review status: criteria provided, single submitter. Criteria: Invitae Variant Classification Sherloc (09022015). Collection method: clinical testing. Allele origin: germline.
Comment: This variant is a gross deletion of the genomic region encompassing exon(s) 7 of the BCKDHB gene. This deletion is out-of-frame, and is expected to create a premature termination codon and result in an absent or disrupted protein product. Loss-of-function variants in BCKDHB are known to be pathogenic (PMID: 16786533, 22593002). This variant has not been reported in the literature in individuals affected with BCKDHB-related conditions. For these reasons, this variant has been classified as Pathogenic.

Literature cited by the submitters: PubMed 16786533; PubMed 22593002.

NC_000006.11:g.(?_80910651)_(80910770_?)del

Gene: BCKDHB (branched chain keto acid dehydrogenase E1 subunit beta; plus strand). Cytogenetic location: 6q14.1.
Variant type: Deletion.
Identifiers: ClinVar variation 2427617 (VCV002427617.3).